The following is an entry in ClinVar:

ClinVar aggregate classification (germline): Uncertain significance. Review status: criteria provided, multiple submitters, no conflicts (2 of 4 stars). 2 submissions from 2 submitters: Uncertain significance (2). Last evaluated 2021-07-01.

Conditions:
Combined oxidative phosphorylation defect type 23. Also called: Combined oxidative phosphorylation deficiency 23. Identifiers: Orphanet 444013, MedGen C5567743, MONDO:0014525, OMIM 616198.

Allele frequency attached by ClinVar (database versions not stated): TOPMed below 0.00001; gnomAD exomes 0.00001 and 0.00002; ExAC 0.00003.
gnomAD v4.1: 12 of 1,614,066 alleles (0.00074%); highest among the groups gnomAD compares: African/African-American, 0.0013%; no homozygotes.

Submissions (2):

Blueprint Genetics
Classification: Uncertain significance. Last evaluated: 2021-07-01. Review status: criteria provided, single submitter. Criteria: ACMG Guidelines, 2015. Collection method: clinical testing. Allele origin: germline.

Centre for Mendelian Genomics, University Medical Centre Ljubljana
Classification: Uncertain significance for Combined oxidative phosphorylation defect type 23. Last evaluated: 2019-12-12. Review status: criteria provided, single submitter. Criteria: ACMG Guidelines, 2015. Collection method: clinical testing. Allele origin: unknown. Affected: yes.
Comment: This variant was classified as: Uncertain significance. The available evidence on this variant's pathogenicity is insufficient or conflicting. The following ACMG criteria were applied in classifying this variant: PM2.

NM_032620.4(GTPBP3):c.673G>A (p.Glu225Lys)

Gene: GTPBP3 (GTP binding protein 3, mitochondrial; plus strand). Cytogenetic location: 19p13.11.
Variant type: single nucleotide variant.
Coding change: c.673G>A on transcript NM_032620.4 (MANE Select); coding-DNA position 673, G replaced by A.
Protein change: p.Glu225Lys; replaces glutamic acid 225 with lysine.
Molecular consequence: missense variant.
Genome position (GRCh38, 1-based): chr19:17,339,131, G>A. VCF-style: chr19-17339131-G-A. GRCh37 (hg19) VCF-style: chr19-17449940-G-A.
Other names: c.673G>A, p.Glu225Lys (NM_001128855.3); c.739G>A, p.Glu247Lys (NM_001195422.1); c.769G>A, p.Glu257Lys (NM_133644.4); short protein forms E257K, E225K, E247K.
Identifiers: ClinVar variation 931027 (VCV000931027.4), dbSNP rs778983997, ClinGen allele CA9293459.